The following is an entry in ClinVar:

ClinVar aggregate classification (germline): Uncertain significance. Review status: criteria provided, multiple submitters, no conflicts (2 of 4 stars). 2 submissions from 2 submitters: Uncertain significance (2). Last evaluated 2021-08-31.

Allele frequency attached by ClinVar (database versions not stated): gnomAD exomes 0.00003.

Submissions (2):

Labcorp Genetics (formerly Invitae), Labcorp
Classification: Uncertain significance. Last evaluated: 2021-08-31. Review status: criteria provided, single submitter. Criteria: Invitae Variant Classification Sherloc (09022015). Collection method: clinical testing. Allele origin: germline.
Comment: This sequence change replaces methionine with valine at codon 1074 of the SLC24A1 protein (p.Met1074Val). The methionine residue is highly conserved and there is a small physicochemical difference between methionine and valine. This variant is not present in population databases (ExAC no frequency). This variant has not been reported in the literature in individuals affected with SLC24A1-related conditions. Algorithms developed to predict the effect of missense changes on protein structure and function are either unavailable or do not agree on the potential impact of this missense change (SIFT: "Deleterious"; PolyPhen-2: "Possibly Damaging"; Align-GVGD: "Class C15"). Algorithms developed to predict the effect of sequence changes on RNA splicing suggest that this variant may create or strengthen a splice site. In summary, the available evidence is currently insufficient to determine the role of this variant in disease. Therefore, it has been classified as a Variant of Uncertain Significance.

Blueprint Genetics
Classification: Uncertain significance. Last evaluated: 2018-09-10. Review status: criteria provided, single submitter. Criteria: ACMG Guidelines, 2015. Collection method: clinical testing. Allele origin: germline.

NM_004727.3(SLC24A1):c.3220A>G (p.Met1074Val)

Gene: SLC24A1 (solute carrier family 24 member 1; plus strand). Cytogenetic location: 15q22.31.
Variant type: single nucleotide variant.
Coding change: c.3220A>G on transcript NM_004727.3 (MANE Select); coding-DNA position 3220, A replaced by G.
Protein change: p.Met1074Val; replaces methionine 1074 with valine.
Molecular consequence: missense variant. On other transcripts: intron variant (1).
Genome position (GRCh38, 1-based): chr15:65,653,999, A>G. VCF-style: chr15-65653999-A-G. GRCh37 (hg19) VCF-style: chr15-65946337-A-G.
Other names: c.1201A>G, p.Met401Val (NM_001254740.2); c.3130A>G, p.Met1044Val (NM_001301031.1); c.3166A>G, p.Met1056Val (NM_001301032.1); c.2996+1191A>G (NM_001301033.2); short protein forms M1044V, M1056V, M1074V, M401V.
Identifiers: ClinVar variation 1009515 (VCV001009515.7), dbSNP rs1198058031, ClinGen allele CA392904017.